The following is an entry in ClinVar:

NM_005101.4(ISG15):c.358G>A (p.Asp120Asn)

Gene: ISG15 (ISG15 ubiquitin like modifier; plus strand). Cytogenetic location: 1p36.33.
Variant type: single nucleotide variant.
Coding change: c.358G>A on transcript NM_005101.4 (MANE Select); coding-DNA position 358, G replaced by A.
Protein change: p.Asp120Asn; replaces aspartic acid 120 with asparagine.
Molecular consequence: missense variant.
Genome position (GRCh38, 1-based): chr1:1,014,338, G>A. VCF-style: chr1-1014338-G-A. GRCh37 (hg19) VCF-style: chr1-949718-G-A.
Other names: c.358G>A (NM_005101.3); short protein forms D120N.
Identifiers: ClinVar variation 1011331 (VCV001011331.7), dbSNP rs149521823, ClinGen allele CA507692.

ClinVar aggregate classification (germline): Uncertain significance. Review status: criteria provided, multiple submitters, no conflicts (2 of 4 stars). 2 submissions from 2 submitters: Uncertain significance (2). Last evaluated 2025-01-07.

Conditions:
Mendelian susceptibility to mycobacterial diseases due to complete ISG15 deficiency. Also called: IMMUNODEFICIENCY 38, MYCOBACTERIOSIS, AUTOSOMAL RECESSIVE; ISG15 DEFICIENCY, AUTOSOMAL RECESSIVE; Immunodeficiency 38 with basal ganglia calcification; Immunodeficiency 38. Identifiers: Orphanet 319563, MedGen C4015293, MONDO:0014502, OMIM 616126.

Allele frequency attached by ClinVar (database versions not stated): gnomAD exomes 0.00006; ExAC 0.00007; ESP Exome Variant Server 0.00031; gnomAD 0.00050 and 0.00051; TOPMed 0.00050.
gnomAD v4.1: 113 of 1,613,664 alleles (0.007%); highest among the groups gnomAD compares: African/African-American, 0.13%; no homozygotes.

Submissions (2):

Labcorp Genetics (formerly Invitae), Labcorp
Classification: Uncertain significance for Mendelian susceptibility to mycobacterial diseases due to complete ISG15 deficiency. Last evaluated: 2025-01-07. Review status: criteria provided, single submitter. Criteria: Invitae Variant Classification Sherloc (09022015). Collection method: clinical testing. Allele origin: germline.
Comment: This sequence change replaces aspartic acid, which is acidic and polar, with asparagine, which is neutral and polar, at codon 120 of the ISG15 protein (p.Asp120Asn). This variant is present in population databases (rs149521823, gnomAD 0.1%). This variant has not been reported in the literature in individuals affected with ISG15-related conditions. ClinVar contains an entry for this variant (Variation ID: 1011331). An algorithm developed to predict the effect of missense changes on protein structure and function outputs the following: PolyPhen-2: "Benign". The asparagine amino acid residue is found in multiple mammalian species, which suggests that this missense change does not adversely affect protein function. In summary, the available evidence is currently insufficient to determine the role of this variant in disease. Therefore, it has been classified as a Variant of Uncertain Significance.

Ambry Genetics
Classification: Uncertain significance. Last evaluated: 2024-08-05. Review status: criteria provided, single submitter. Criteria: Ambry Variant Classification Scheme 2023. Collection method: clinical testing. Allele origin: germline.